The following is an entry in ClinVar:

ClinVar aggregate classification (germline): Conflicting classifications of pathogenicity. Review status: criteria provided, conflicting classifications (1 of 4 stars). 2 submissions from 2 submitters: Pathogenic (1); Uncertain significance (1). Last evaluated 2025-12-08.

Conditions:
Dilated cardiomyopathy 1O (CMD1O). Also called: CARDIOMYOPATHY, DILATED, WITH VENTRICULAR TACHYCARDIA. Identifiers: Orphanet 154, MedGen C1837839, MONDO:0012062, OMIM 608569.
Cardiovascular phenotype. Identifiers: MedGen CN230736.

Submissions (2):

Labcorp Genetics (formerly Invitae), Labcorp
Classification: Pathogenic for Dilated cardiomyopathy 1O. Last evaluated: 2025-12-08. Review status: criteria provided, single submitter. Criteria: Invitae Variant Classification Sherloc (09022015). Collection method: clinical testing. Allele origin: germline.
Comment: This sequence change creates a premature translational stop signal (p.Cys6Leufs*66) in the ABCC9 gene. It is expected to result in an absent or disrupted protein product. Loss-of-function variants in ABCC9 are known to be pathogenic (PMID: 31575858, 38217872). This variant is not present in population databases (gnomAD no frequency). This variant has not been reported in the literature in individuals affected with ABCC9-related conditions. ClinVar contains an entry for this variant (Variation ID: 2919163). For these reasons, this variant has been classified as Pathogenic.

Ambry Genetics
Classification: Uncertain significance for Cardiovascular phenotype. Last evaluated: 2025-07-10. Review status: criteria provided, single submitter. Criteria: Ambry Variant Classification Scheme 2023. Collection method: clinical testing. Allele origin: germline.
Comment: The c.17delG variant, located in coding exon 1 of the ABCC9 gene, results from a deletion of one nucleotide at nucleotide position 17, causing a translational frameshift with a predicted alternate stop codon (p.C6Lfs*66). This alteration is expected to result in loss of function by premature protein truncation or nonsense-mediated mRNA decay. Although biallelic loss of function of ABCC9 has been associated with autosomal recessive ABCC9-related neurodevelopmental myopathy syndrome, haploinsufficiency of ABCC9 has not been established as a mechanism of disease for autosomal dominant ABCC9-related Cantu syndrome. Based on the supporting evidence, this variant is expected to be causative of autosomal recessive ABCC9-related neurodevelopmental myopathy syndrome when present along with a second pathogenic variant on the other allele; however, its clinical significance for autosomal dominant ABCC9-related Cantu syndrome is unclear.

Literature cited by the submitters: PubMed 31575858 (cited by Labcorp Genetics (formerly Invitae), Labcorp); PubMed 38217872 (cited by Labcorp Genetics (formerly Invitae), Labcorp).

NM_020297.4(ABCC9):c.17del (p.Cys6fs)

Gene: ABCC9 (ATP binding cassette subfamily C member 9; minus strand). Cytogenetic location: 12p12.1.
Variant type: Deletion.
Coding change: c.17del on transcript NM_020297.4 (MANE Select); coding-DNA position 17, one base deleted (G; older notation c.17delG).
Protein change: p.Cys6fs; shifts the reading frame from cysteine 6.
Molecular consequence: frameshift variant. On other transcripts: 5 prime UTR variant (1).
Genome position (GRCh38, 1-based): chr12:21,936,658, C deleted on the plus strand (G on the coding strand, the reverse complement: ABCC9 is on the minus strand). VCF-style (leftmost placement, unchanged base first): chr12-21936657-AC-A. GRCh37 (hg19) VCF-style: chr12-22089591-AC-A.
Other names: c.17del, p.Cys6fs (NM_001377273.1, NM_005691.4); c.-438del (NM_001377274.1); short protein forms C6fs.
Identifiers: ClinVar variation 2919163 (VCV002919163.4), dbSNP rs1949500525, ClinGen allele CA2021348165.